The following is an entry in ClinVar:

ClinVar aggregate classification (germline): Uncertain significance (1 of 4 stars; one submission).

Conditions:
Atrial fibrillation, familial, 7 (ATFB7). Identifiers: MedGen C2677106, MONDO:0012828, OMIM 612240.

Submission:

Labcorp Genetics (formerly Invitae), Labcorp
Classification: Uncertain significance for Atrial fibrillation, familial, 7. Last evaluated: 2019-05-25. Review status: criteria provided, single submitter. Criteria: Invitae Variant Classification Sherloc (09022015). Collection method: clinical testing. Allele origin: germline.
Comment: This sequence change replaces phenylalanine with serine at codon 522 of the KCNA5 protein (p.Phe522Ser). The phenylalanine residue is highly conserved and there is a large physicochemical difference between phenylalanine and serine. In summary, the available evidence is currently insufficient to determine the role of this variant in disease. Therefore, it has been classified as a Variant of Uncertain Significance. Algorithms developed to predict the effect of missense changes on protein structure and function are either unavailable or do not agree on the potential impact of this missense change (SIFT: "Deleterious"; PolyPhen-2: "Probably Damaging"; Align-GVGD: "Class C0"). This variant has not been reported in the literature in individuals with KCNA5-related disease. This variant is not present in population databases (ExAC no frequency).

NM_002234.4(KCNA5):c.1565T>C (p.Phe522Ser)

Gene: KCNA5 (potassium voltage-gated channel subfamily A member 5; plus strand). Cytogenetic location: 12p13.32.
Variant type: single nucleotide variant.
Coding change: c.1565T>C on transcript NM_002234.4 (MANE Select); coding-DNA position 1565, T replaced by C.
Protein change: p.Phe522Ser; replaces phenylalanine 522 with serine.
Molecular consequence: missense variant.
Genome position (GRCh38, 1-based): chr12:5,045,712, T>C. VCF-style: chr12-5045712-T-C. GRCh37 (hg19) VCF-style: chr12-5154878-T-C.
Other names: short protein forms F522S.
Identifiers: ClinVar variation 579216 (VCV000579216.10), dbSNP rs1565466043, ClinGen allele CA383466758.